The following is an entry in ClinVar:

NM_005912.3(MC4R):c.202G>A (p.Ala68Thr)

Gene: MC4R (melanocortin 4 receptor; minus strand). Cytogenetic location: 18q21.32.
Variant type: single nucleotide variant.
Coding change: c.202G>A on transcript NM_005912.3 (MANE Select); coding-DNA position 202, G replaced by A.
Protein change: p.Ala68Thr; replaces alanine 68 with threonine.
Molecular consequence: missense variant.
Genome position (GRCh38, 1-based): chr18:60,372,148, C>T on the plus strand (G>A on the coding strand, the complement: MC4R is on the minus strand). VCF-style: chr18-60372148-C-T. GRCh37 (hg19) VCF-style: chr18-58039381-C-T.
Other names: short protein forms A68T.
Identifiers: ClinVar variation 4683158 (VCV004683158.1).

ClinVar aggregate classification (germline): Uncertain significance (1 of 4 stars; one submission).

Conditions:
Early onset severe obesity. Identifiers: MedGen C4013980.

gnomAD v4.1: 1 of 1,614,212 alleles (0.000062%); highest among the groups gnomAD compares: Non-Finnish European, 0.000085%; no homozygotes.

Submission:

Cambridge Genomics Laboratory, East Genomic Laboratory Hub, NHS Genomic Medicine Service
Classification: Uncertain significance for Severe early-onset obesity. Last evaluated: 2025-04-11. Review status: criteria provided, single submitter. Criteria: ACGS Best Practice Guidelines for Variant Classification in Rare Disease 2020. Collection method: clinical testing. Allele origin: germline. Affected: yes.
Comment: PM2